The following is an entry in ClinVar:

ClinVar aggregate classification (germline): Uncertain significance. Review status: criteria provided, multiple submitters, no conflicts (2 of 4 stars). 2 submissions from 2 submitters: Uncertain significance (2). Last evaluated 2024-03-29.

Conditions:
Inborn genetic diseases. Identifiers: MedGen C0950123, MeSH D030342.

Allele frequency attached by ClinVar (database versions not stated): ExAC 0.00001; gnomAD 0.00001; gnomAD exomes 0.00002; TOPMed 0.00002; ESP Exome Variant Server 0.00008.
gnomAD v4.1: 29 of 1,601,008 alleles (0.0018%); highest among the groups gnomAD compares: Admixed American, 0.0034%; no homozygotes.

Submissions (2):

Ambry Genetics
Classification: Uncertain significance for Inborn genetic diseases. Last evaluated: 2024-03-29. Review status: criteria provided, single submitter. Criteria: Ambry Variant Classification Scheme 2023. Collection method: clinical testing. Allele origin: germline.

GeneDx
Classification: Uncertain significance. Last evaluated: 2023-03-20. Review status: criteria provided, single submitter. Criteria: GeneDx Variant Classification Process June 2021. Collection method: clinical testing. Allele origin: germline. Affected: yes.
Comment: Not observed at significant frequency in large population cohorts (gnomAD); In silico analysis supports that this missense variant does not alter protein structure/function; Has not been previously published as pathogenic or benign to our knowledge

NM_001083961.2(WDR62):c.4550G>A (p.Arg1517Gln)

Gene: WDR62 (WD repeat domain 62; plus strand). Cytogenetic location: 19q13.12.
Variant type: single nucleotide variant.
Coding change: c.4550G>A on transcript NM_001083961.2 (MANE Select); coding-DNA position 4550, G replaced by A.
Protein change: p.Arg1517Gln; replaces arginine 1517 with glutamine.
Molecular consequence: missense variant.
Genome position (GRCh38, 1-based): chr19:36,105,006, G>A. VCF-style: chr19-36105006-G-A. GRCh37 (hg19) VCF-style: chr19-36595908-G-A.
Other names: c.4535G>A, p.Arg1512Gln (NM_001411145.1, NM_173636.5); c.4301G>A, p.Arg1434Gln (NM_001411146.1); c.4199G>A, p.Arg1400Gln (NM_001411147.1); short protein forms R1400Q, R1434Q, R1512Q, R1517Q.
Identifiers: ClinVar variation 2446138 (VCV002446138.2), dbSNP rs201351354, ClinGen allele CA9396604.
Genomic context (GRCh38, chr19:36,105,006, plus strand): 5'-CCAGCCCAGACCTGCAGGCCCTGCTGGAACACTACTCGGAGCTGCTGGTGCAGGCCGTGC[G>A]GAGGAAGGCACGGGGGCACTGAGGGCGCAGCCCCTCCACCGCAGCCCTGCTGCTTCTGAG-3'
Protein context (NP_001077430.1, residues 1507-1523): HYSELLVQAV[Arg1517Gln]RKARGH